The following is an entry in ClinVar:

ClinVar aggregate classification (germline): Pathogenic. Review status: criteria provided, multiple submitters, no conflicts (2 of 4 stars). 2 submissions from 2 submitters: Pathogenic (2). Last evaluated 2024-01-19.

Conditions:
Megalencephalic leukoencephalopathy with subcortical cysts 1 (MLC1). Also called: LEUKOENCEPHALOPATHY WITH SWELLING AND CYSTS; VACUOLATING MEGALENCEPHALIC LEUKOENCEPHALOPATHY WITH SUBCORTICAL CYSTS. Identifiers: Orphanet 2478, MedGen C5779875, MONDO:0024555, OMIM 604004.

Submissions (2):

Labcorp Genetics (formerly Invitae), Labcorp
Classification: Pathogenic. Last evaluated: 2024-01-19. Review status: criteria provided, single submitter. Criteria: Invitae Variant Classification Sherloc (09022015). Collection method: clinical testing. Allele origin: germline.
Comment: This sequence change creates a premature translational stop signal (p.Ser246Valfs*16) in the MLC1 gene. It is expected to result in an absent or disrupted protein product. Loss-of-function variants in MLC1 are known to be pathogenic (PMID: 11254442, 16470554, 24824219). This variant is not present in population databases (gnomAD no frequency). This premature translational stop signal has been observed in individual(s) with megalencephalic leukoencephalopathy with subcortical cysts (PMID: 25497041, 29667716). It has also been observed to segregate with disease in related individuals. ClinVar contains an entry for this variant (Variation ID: 1691319). For these reasons, this variant has been classified as Pathogenic.

Diagnostics Services (NGS), CSIR - Centre For Cellular And Molecular Biology
Classification: Pathogenic for Megalencephalic leukoencephalopathy with subcortical cysts 1. Last evaluated: 2022-01-21. Review status: criteria provided, single submitter. Criteria: ACMG Guidelines, 2015. Collection method: clinical testing. Allele origin: germline. Inheritance: Autosomal recessive inheritance. Affected: yes. Observed: 1 variant allele, 1 homozygote.
Comment: The c.736delA variant is not present in publicly available population databases like Exome Variant Server (EVS),1000 Genomes, Exome Aggregation Consortium (ExAC), Genome Aggregation Database (gnomAD), dbSNP, Indian Exome Database and in our in-house exome database. The variant was earlier identified in patients affected with Megalencephalic leukoencephalopathy and reported to Human Genome Mutation Database (HGMD ID: CD151536). In-silico pathogenicity prediction programs like MutationTaster2, CADD, Varsome etc. predicted this variant to be deleterious.

Literature cited by the submitters: PubMed 11254442 (cited by Labcorp Genetics (formerly Invitae), Labcorp); PubMed 16470554 (cited by Labcorp Genetics (formerly Invitae), Labcorp); PubMed 24824219 (cited by Labcorp Genetics (formerly Invitae), Labcorp); PubMed 25497041 (cited by Labcorp Genetics (formerly Invitae), Labcorp and Diagnostics Services (NGS), CSIR - Centre For Cellular And Molecular Biology); PubMed 29667716 (cited by Labcorp Genetics (formerly Invitae), Labcorp); PubMed 11935341 (cited by Diagnostics Services (NGS), CSIR - Centre For Cellular And Molecular Biology).

NM_015166.4(MLC1):c.736del (p.Ser246fs)

Gene: MLC1 (modulator of VRAC current 1; minus strand). Cytogenetic location: 22q13.33.
Variant type: Deletion.
Coding change: c.736del on transcript NM_015166.4 (MANE Select); coding-DNA position 736, one base deleted (A; older notation c.736delA).
Protein change: p.Ser246fs; shifts the reading frame from serine 246.
Molecular consequence: frameshift variant. On other transcripts: non-coding transcript variant (3), intron variant (1).
Genome position (GRCh38, 1-based): chr22:50,070,562, T deleted on the plus strand (A on the coding strand, the reverse complement: MLC1 is on the minus strand). VCF-style (leftmost placement, unchanged base first): chr22-50070561-CT-C. GRCh37 (hg19) VCF-style: chr22-50508990-CT-C.
Other names: c.736del, p.Ser246fs (NM_001376472.1, NM_001376473.1, NM_001376474.1 and 5 more transcripts); c.646del, p.Ser216fs (NM_001376480.1); c.634del, p.Ser212fs (NM_001376481.1); c.580del, p.Ser194fs (NM_001376482.1, NM_001376483.1); c.499del, p.Ser167fs (NM_001376484.1); c.715-2007del (NM_001376479.1); short protein forms S167fs, S194fs, S212fs, S216fs, S246fs.
Identifiers: ClinVar variation 1691319 (VCV001691319.8), dbSNP rs2146830385, ClinGen allele CA2573158232.